The following is an entry in ClinVar:

ClinVar aggregate classification (germline): Uncertain significance (1 of 4 stars; one submission).

Submission:

CeGaT Center for Human Genetics Tuebingen
Classification: Uncertain significance. Last evaluated: 2025-07-01. Review status: criteria provided, single submitter. Criteria: CeGaT Center For Human Genetics Tuebingen Variant Classification Criteria Version 2. Collection method: clinical testing. Allele origin: germline. Affected: yes. Observed: 1 variant allele.
Comment: ANK3: PM2

NM_020987.5(ANK3):c.4753G>A (p.Val1585Met)

Gene: ANK3 (ankyrin 3; minus strand). Cytogenetic location: 10q21.2.
Variant type: single nucleotide variant.
Coding change: c.4753G>A on transcript NM_020987.5 (MANE Select); coding-DNA position 4753, G replaced by A.
Protein change: p.Val1585Met; replaces valine 1585 with methionine.
Molecular consequence: missense variant. On other transcripts: intron variant (4).
Genome position (GRCh38, 1-based): chr10:60,076,128, C>T on the plus strand (G>A on the coding strand, the complement: ANK3 is on the minus strand). VCF-style: chr10-60076128-C-T. GRCh37 (hg19) VCF-style: chr10-61835886-C-T.
Other names: c.4387+4409G>A (NM_001204403.2); c.4408+4409G>A (NM_001204404.2); c.4405+4409G>A (NM_001320874.2); c.1807+4409G>A (NM_001149.4); short protein forms V1585M.
Identifiers: ClinVar variation 4084920 (VCV004084920.8).